The following is an entry in ClinVar:

NM_024675.4(PALB2):c.2514+7del

Gene: PALB2 (partner and localizer of BRCA2; minus strand). Cytogenetic location: 16p12.2.
Variant type: Deletion.
Coding change: c.2514+7del on transcript NM_024675.4 (MANE Select); 7 bases into the intron after coding-DNA position 2514, one base deleted (T; older notation c.2514+7delT).
Molecular consequence: intron variant.
Genome position (GRCh38, 1-based): chr16:23,629,633, A deleted on the plus strand (T on the coding strand, the reverse complement: PALB2 is on the minus strand). VCF-style (leftmost placement, unchanged base first): chr16-23629632-GA-G. GRCh37 (hg19) VCF-style: chr16-23640953-GA-G.
Other names: c.1629+7del (NM_001407308.1, NM_001407306.1, NM_001407307.1 and 5 more transcripts); c.49-358del (NM_001407314.1); c.726+7del (NM_001407313.1, NM_001407312.1); c.2454+7del (NM_001407296.1); c.2514+7del (NM_001407297.1, NM_001407302.1, NM_001407298.1 and 3 more transcripts).
Identifiers: ClinVar variation 3710224 (VCV003710224.3).

ClinVar aggregate classification (germline): Likely benign. Review status: criteria provided, multiple submitters, no conflicts (2 of 4 stars). 2 submissions from 2 submitters: Likely benign (2). Last evaluated 2025-01-16.

Conditions:
Familial cancer of breast. Also called: Hereditary breast cancer; BREAST CANCER, FAMILIAL; hereditary breast carcinoma. Identifiers: Orphanet 227535, MedGen C0346153, MONDO:0016419, OMIM 114480. Disease mechanism: loss of function.

Submissions (2):

Myriad Genetics, Inc.
Classification: Likely benign for Familial cancer of breast. Last evaluated: 2025-01-16. Review status: criteria provided, single submitter. Criteria: Myriad Autosomal Dominant, Autosomal Recessive and X-Linked Classification Criteria (2023). Collection method: clinical testing. Allele origin: unknown.
Comment: This variant is considered likely benign. This variant is intronic and is not expected to impact mRNA splicing.

Labcorp Genetics (formerly Invitae), Labcorp
Classification: Likely benign for Familial cancer of breast. Last evaluated: 2024-06-25. Review status: criteria provided, single submitter. Criteria: Invitae Variant Classification Sherloc (09022015). Collection method: clinical testing. Allele origin: germline.